The following is an entry in ClinVar:

NM_001037131.3(AGAP1):c.922C>T (p.Arg308Cys)

Gene: AGAP1 (ArfGAP with GTPase domain, ankyrin repeat and PH domain 1; plus strand). Cytogenetic location: 2q37.2.
Variant type: single nucleotide variant.
Coding change: c.922C>T on transcript NM_001037131.3 (MANE Select); coding-DNA position 922, C replaced by T.
Protein change: p.Arg308Cys; replaces arginine 308 with cysteine.
Molecular consequence: missense variant.
Genome position (GRCh38, 1-based): chr2:235,799,487, C>T. VCF-style: chr2-235799487-C-T. GRCh37 (hg19) VCF-style: chr2-236708131-C-T.
Other names: c.922C>T, p.Arg308Cys (NM_001244888.2, NM_001412122.1, NM_014914.5); short protein forms R308C.
Identifiers: ClinVar variation 2904963 (VCV002904963.3), dbSNP rs750448988, ClinGen allele CA2184617.

ClinVar aggregate classification (germline): Uncertain significance (1 of 4 stars; one submission).

Allele frequency attached by ClinVar (database versions not stated): gnomAD exomes 0.00001; ExAC 0.00002.
gnomAD v4.1: 11 of 1,614,242 alleles (0.00068%); highest among the groups gnomAD compares: South Asian, 0.0044%; no homozygotes.

Submission:

Labcorp Genetics (formerly Invitae), Labcorp
Classification: Uncertain significance. Last evaluated: 2024-02-22. Review status: criteria provided, single submitter. Criteria: Invitae Variant Classification Sherloc (09022015). Collection method: clinical testing. Allele origin: germline.
Comment: This sequence change replaces arginine, which is basic and polar, with cysteine, which is neutral and slightly polar, at codon 308 of the AGAP1 protein (p.Arg308Cys). This variant is present in population databases (rs750448988, gnomAD 0.01%). This variant has not been reported in the literature in individuals affected with AGAP1-related conditions. An algorithm developed to predict the effect of missense changes on protein structure and function (PolyPhen-2) suggests that this variant is likely to be tolerated. In summary, the available evidence is currently insufficient to determine the role of this variant in disease. Therefore, it has been classified as a Variant of Uncertain Significance.